The following is an entry in ClinVar:

ClinVar aggregate classification (germline): Uncertain significance. Review status: criteria provided, multiple submitters, no conflicts (2 of 4 stars). 2 submissions from 2 submitters: Uncertain significance (2). Last evaluated 2026-01-27.

Submissions (2):

GeneDx
Classification: Uncertain significance. Last evaluated: 2026-01-27. Review status: criteria provided, single submitter. Criteria: GeneDx Variant Classification Process June 2021. Collection method: clinical testing. Allele origin: germline.
Comment: Not observed at significant frequency in large population cohorts (gnomAD); In silico analysis supports that this missense variant has a deleterious effect on protein structure/function; Has not been previously published as pathogenic or benign to our knowledge

Labcorp Genetics (formerly Invitae), Labcorp
Classification: Uncertain significance. Last evaluated: 2025-12-16. Review status: criteria provided, single submitter. Criteria: Invitae Variant Classification Sherloc (09022015). Collection method: clinical testing. Allele origin: germline.
Comment: This sequence change replaces lysine, which is basic and polar, with asparagine, which is neutral and polar, at codon 1279 of the ARID1B protein (p.Lys1279Asn). This variant is not present in population databases (gnomAD no frequency). This variant has not been reported in the literature in individuals affected with ARID1B-related conditions. Invitae Evidence Modeling of protein sequence and biophysical properties (such as structural, functional, and spatial information, amino acid conservation, physicochemical variation, residue mobility, and thermodynamic stability) indicates that this missense variant is not expected to disrupt ARID1B protein function with a negative predictive value of 95%. In summary, the available evidence is currently insufficient to determine the role of this variant in disease. Therefore, it has been classified as a Variant of Uncertain Significance.

NM_001374828.1(ARID1B):c.4206G>C (p.Lys1402Asn)

Gene: ARID1B (AT-rich interaction domain 1B; plus strand). Cytogenetic location: 6q25.3.
Variant type: single nucleotide variant.
Coding change: c.4206G>C on transcript NM_001374828.1 (MANE Select); coding-DNA position 4206, G replaced by C.
Protein change: p.Lys1402Asn; replaces lysine 1402 with asparagine.
Molecular consequence: missense variant.
Genome position (GRCh38, 1-based): chr6:157,190,185, G>C. VCF-style: chr6-157190185-G-C. GRCh37 (hg19) VCF-style: chr6-157511319-G-C.
Other names: c.1707G>C, p.Lys569Asn (NM_001363725.2); c.4086G>C, p.Lys1362Asn (NM_001371656.1, NM_001374820.1); c.4335G>C, p.Lys1445Asn (NM_001438482.1); c.4248G>C, p.Lys1416Asn (NM_001438483.1); c.4116G>C, p.Lys1372Asn (NM_001438485.1); c.4089G>C, p.Lys1363Asn (NM_001438486.1); c.4026G>C, p.Lys1342Asn (NM_001438487.1); c.1548G>C, p.Lys516Asn (NM_001438488.1); and 1 more; short protein forms K1342N, K1349N, K1362N, K1363N, K1372N, K1402N, K1416N, K1445N.
Identifiers: ClinVar variation 4801401 (VCV004801401.2).